The following is an entry in ClinVar:

NM_024884.3(L2HGDH):c.586C>T (p.Arg196Trp)

Gene: L2HGDH (L-2-hydroxyglutarate dehydrogenase; minus strand). Cytogenetic location: 14q21.3.
Variant type: single nucleotide variant.
Coding change: c.586C>T on transcript NM_024884.3 (MANE Select); coding-DNA position 586, C replaced by T.
Protein change: p.Arg196Trp; replaces arginine 196 with tryptophan.
Molecular consequence: missense variant.
Genome position (GRCh38, 1-based): chr14:50,283,988, G>A on the plus strand (C>T on the coding strand, the complement: L2HGDH is on the minus strand). VCF-style: chr14-50283988-G-A. GRCh37 (hg19) VCF-style: chr14-50750706-G-A.
Other names: short protein forms R196W.
Identifiers: ClinVar variation 579954 (VCV000579954.9), dbSNP rs368140834, ClinGen allele CA7177969.

ClinVar aggregate classification (germline): Uncertain significance. Review status: criteria provided, multiple submitters, no conflicts (2 of 4 stars). 4 submissions from 4 submitters: Uncertain significance (4). Last evaluated 2025-04-25.

Conditions:
Inborn genetic diseases. Identifiers: MedGen C0950123, MeSH D030342.
L-2-hydroxyglutaric aciduria (L2HGA). Identifiers: Orphanet 79314, MedGen C1855995, MONDO:0009370, OMIM 236792, HP:0040144.

Allele frequency attached by ClinVar (database versions not stated): gnomAD exomes 0.00006 and 0.00007; ExAC 0.00007; gnomAD 0.00007; ESP Exome Variant Server 0.00008; TOPMed 0.00009.
gnomAD v4.1: 97 of 1,613,918 alleles (0.006%); highest among the groups gnomAD compares: Admixed American, 0.0083%; no homozygotes.

Submissions (4):

Ambry Genetics
Classification: Uncertain significance for Inborn genetic diseases. Last evaluated: 2025-04-25. Review status: criteria provided, single submitter. Criteria: Ambry Variant Classification Scheme 2023. Collection method: clinical testing. Allele origin: germline.

Blueprint Genetics
Classification: Uncertain significance. Last evaluated: 2023-08-08. Review status: criteria provided, single submitter. Criteria: ACMG Guidelines, 2015. Collection method: clinical testing. Allele origin: germline.

Labcorp Genetics (formerly Invitae), Labcorp
Classification: Uncertain significance for L-2-hydroxyglutaric aciduria. Last evaluated: 2022-08-23. Review status: criteria provided, single submitter. Criteria: Invitae Variant Classification Sherloc (09022015). Collection method: clinical testing. Allele origin: germline.
Comment: This sequence change replaces arginine, which is basic and polar, with tryptophan, which is neutral and slightly polar, at codon 196 of the L2HGDH protein (p.Arg196Trp). This variant is present in population databases (rs368140834, gnomAD 0.01%). This variant has not been reported in the literature in individuals affected with L2HGDH-related conditions. ClinVar contains an entry for this variant (Variation ID: 579954). Algorithms developed to predict the effect of missense changes on protein structure and function are either unavailable or do not agree on the potential impact of this missense change (SIFT: "Deleterious"; PolyPhen-2: "Possibly Damaging"; Align-GVGD: "Class C0"). In summary, the available evidence is currently insufficient to determine the role of this variant in disease. Therefore, it has been classified as a Variant of Uncertain Significance.

Fulgent Genetics
Classification: Uncertain significance for L-2-hydroxyglutaric aciduria. Last evaluated: 2021-07-26. Review status: criteria provided, single submitter. Criteria: ACMG Guidelines, 2015. Collection method: clinical testing. Allele origin: unknown.